The following is an entry in ClinVar:

ClinVar aggregate classification (germline): Uncertain significance (1 of 4 stars; one submission).

Conditions:
Drash syndrome (DDS). Also called: WILMS TUMOR AND PSEUDO- OR TRUE HERMAPHRODITISM; NEPHROPATHY, WILMS TUMOR, AND GENITAL ANOMALIES. Identifiers: Orphanet 220, MedGen C0950121, MONDO:0008682, OMIM 194080.
Wilms tumor 1 (WT1). Also called: Wilms tumor, somatic. Identifiers: Orphanet 654, MedGen CN033288, MONDO:0008679, OMIM 194070.
11p partial monosomy syndrome (WAGR). Also called: WAGR syndrome; WAGR Spectrum Disorder; CHROMOSOME 11p13 DELETION SYNDROME; WAGR Complex. Identifiers: Orphanet 893, MedGen C0206115, MONDO:0008681, OMIM 194072.
Frasier syndrome. Identifiers: Orphanet 347, MedGen C0950122, MeSH D052159, MONDO:0007635, OMIM 136680.

Allele frequency attached by ClinVar (database versions not stated): gnomAD exomes below 0.00001.
gnomAD v4.1: 1 of 1,532,528 alleles (0.000065%); highest among the groups gnomAD compares: Middle Eastern, 0.022%; no homozygotes.

Submission:

Labcorp Genetics (formerly Invitae), Labcorp
Classification: Uncertain significance for Wilms tumor 1; Drash syndrome; 11p partial monosomy syndrome; Frasier syndrome. Last evaluated: 2022-10-02. Review status: criteria provided, single submitter. Criteria: Invitae Variant Classification Sherloc (09022015). Collection method: clinical testing. Allele origin: germline.
Comment: In summary, the available evidence is currently insufficient to determine the role of this variant in disease. Therefore, it has been classified as a Variant of Uncertain Significance. Algorithms developed to predict the effect of missense changes on protein structure and function are either unavailable or do not agree on the potential impact of this missense change (SIFT: "Deleterious"; PolyPhen-2: "Benign"; Align-GVGD: "Class C0"). This variant has not been reported in the literature in individuals affected with WT1-related conditions. This variant is not present in population databases (gnomAD no frequency). This sequence change replaces threonine, which is neutral and polar, with lysine, which is basic and polar, at codon 7 of the WT1 protein (p.Thr7Lys).

NM_024426.6(WT1):c.35C>A (p.Thr12Lys)

Genes: WT1 (WT1 transcription factor; minus strand), LOC107982234 (WT1/WT1-AS bi-directional promoter region; plus strand). Cytogenetic location: 11p13.
Variant type: single nucleotide variant.
Coding change: c.35C>A on transcript NM_024426.6 (MANE Select); coding-DNA position 35, C replaced by A.
Protein change: p.Thr12Lys; replaces threonine 12 with lysine.
Molecular consequence: missense variant. On other transcripts: non-coding transcript variant (1).
Genome position (GRCh38, 1-based): chr11:32,435,326, G>T on the plus strand (C>A on the coding strand, the complement: WT1 is on the minus strand). VCF-style: chr11-32435326-G-T. GRCh37 (hg19) VCF-style: chr11-32456872-G-T.
Other names: c.35C>A, p.Thr12Lys (NM_000378.6, NM_001407044.1, NM_001407045.1 and 6 more transcripts); c.20C>A, p.Thr7Lys (NM_024425.2); short protein forms T12K, T7K.
Identifiers: ClinVar variation 2012914 (VCV002012914.4), dbSNP rs2133107793, ClinGen allele CA379966526.